The following is an entry in ClinVar:

ClinVar aggregate classification (germline): Conflicting classifications of pathogenicity. Review status: criteria provided, conflicting classifications (1 of 4 stars). 2 submissions from 2 submitters: Pathogenic (1); Uncertain significance (1). Last evaluated 2024-05-16.

Conditions:
Koolen-de Vries syndrome (KDVS). Identifiers: Orphanet 96169, MedGen C1864871, MONDO:0012496, OMIM 610443.

Submissions (2):

Broad Center for Mendelian Genomics, Broad Institute of MIT and Harvard
Classification: Uncertain significance for Koolen-de Vries syndrome. Last evaluated: 2024-05-16. Review status: criteria provided, single submitter. Criteria: ACMG Guidelines, 2015. Collection method: curation. Allele origin: germline. Inheritance: Autosomal dominant inheritance.
Comment: Trio exome analysis showed this variant to be de novo. The p.Arg592Gln variant in KANSL1 has been reported in two individuals with autism (PMIDs: 35982160, 35982159), but was absent from large population studies. The number of reported affected individuals with this variant is slightly greater than expected compared to non-affected individuals with this variant. This variant has been reported in ClinVar (Variation ID: 2505885) and has been interpreted as pathogenic by GeneDx. Computational prediction tools and conservation analyses do not provide strong support for or against an impact to the protein. In summary, the clinical significance of the p.Arg592Gln variant is uncertain. ACMG/AMP Criteria applied: PS2_Supporting, PM2_Supporting, PS4_Supporting (Richards 2015).

GeneDx
Classification: Pathogenic. Last evaluated: 2023-06-09. Review status: criteria provided, single submitter. Criteria: GeneDx Variant Classification Process June 2021. Collection method: clinical testing. Allele origin: germline. Affected: yes.
Comment: In silico analysis supports that this missense variant has a deleterious effect on protein structure/function; Missense variant in a gene in which most reported pathogenic variants are truncating/loss of function; Not observed at significant frequency in large population cohorts (gnomAD); Has not been previously published as pathogenic or benign to our knowledge

NM_015443.4(KANSL1):c.1775G>A (p.Arg592Gln)

Gene: KANSL1 (KAT8 regulatory NSL complex subunit 1). Cytogenetic location: 17q21.31.
Variant type: single nucleotide variant.
Coding change: c.1775G>A on transcript NM_015443.4 (MANE Select); coding-DNA position 1775, G replaced by A.
Protein change: p.Arg592Gln; replaces arginine 592 with glutamine.
Molecular consequence: missense variant.
Genome position (GRCh38, 1-based): chr17:46,066,610, C>T on the plus strand (G>A on the coding strand, the complement: KANSL1 is on the minus strand). VCF-style: chr17-46066610-C-T. GRCh37 (hg19) VCF-style: chr17-44143976-C-T.
Other names: NM_015443.4(KANSL1):c.1775G>A; p.Arg592Gln; c.1775G>A, p.Arg592Gln (NM_001193465.2, NM_001193466.2, NM_001379198.1 and 14 more transcripts); c.1673G>A, p.Arg558Gln (NM_001405859.1, NM_001405860.1, NM_001405861.1 and 1 more transcripts); c.509G>A, p.Arg170Gln (NM_001405882.1, NM_001405883.1, NM_001405884.1 and 1 more transcripts); short protein forms R170Q, R558Q, R592Q.
Identifiers: ClinVar variation 2505885 (VCV002505885.2), dbSNP rs2510757518, ClinGen allele CA399986478.
Genomic context (GRCh38, chr17:46,066,610, plus strand): 5'-GGAACGATGCTGTTGGGTCGAACAAGCCTCCGCTTCTTACAGCTCAGTACAGGACGTGTC[C>T]GGGCTGCCACACAGGTGCCATCAGATGATGAAGAGACGAGATTCAGTCGTTGCTTCTTAT-3'
Protein context (NP_056258.1, residues 582-602): SSSDGTCVAA[Arg592Gln]TRPVLSCKKR